The following is an entry in ClinVar:

ClinVar aggregate classification (germline): Conflicting classifications of pathogenicity. Review status: criteria provided, conflicting classifications (1 of 4 stars). 2 submissions from 2 submitters: Likely pathogenic (1); Uncertain significance (1). Last evaluated 2023-09-27.

Conditions:
Lissencephaly due to TUBA1A mutation (CDCBM16). Also called: CORTICAL DYSPLASIA, COMPLEX, WITH OTHER BRAIN MALFORMATIONS 16; Lissencephaly 3. Identifiers: Orphanet 171680, MedGen C4305153, MONDO:0012703, OMIM 611603.

Submissions (2):

3billion
Classification: Uncertain significance for Lissencephaly due to TUBA1A mutation. Last evaluated: 2023-09-27. Review status: criteria provided, single submitter. Criteria: ACMG Guidelines, 2015. Collection method: clinical testing. Allele origin: germline. Affected: yes.
Comment: The variant is not observed in the gnomAD v2.1.1 dataset. Predicted Consequence/Location: Missense changes are a common disease-causing mechanism. In silico tool predictions suggest damaging effect of the variant on gene or gene product [REVEL: 0.75 (>=0.6, sensitivity 0.68 and specificity 0.92)]. Same nucleotide change resulting in same amino acid change has been previously reported to be associated with TUBA1A related disorder (ClinVar ID: VCV002025728). However, the evidence of pathogenicity is insufficient at this time. Therefore, this variant is classified as VUS according to the recommendation of ACMG/AMP guideline.

Labcorp Genetics (formerly Invitae), Labcorp
Classification: Likely pathogenic. Last evaluated: 2022-10-21. Review status: criteria provided, single submitter. Criteria: Invitae Variant Classification Sherloc (09022015). Collection method: clinical testing. Allele origin: germline.
Comment: In summary, the currently available evidence indicates that the variant is pathogenic, but additional data are needed to prove that conclusively. Therefore, this variant has been classified as Likely Pathogenic. Advanced modeling of protein sequence and biophysical properties (such as structural, functional, and spatial information, amino acid conservation, physicochemical variation, residue mobility, and thermodynamic stability) performed at Invitae indicates that this missense variant is not expected to disrupt TUBA1A protein function. This sequence change replaces valine, which is neutral and non-polar, with alanine, which is neutral and non-polar, at codon 181 of the TUBA1A protein (p.Val181Ala). This variant is not present in population databases (gnomAD no frequency). This missense change has been observed in individual(s) with clinical features of TUBA1A-related conditions (Invitae). In at least one individual the variant was observed to be de novo.

NM_006009.4(TUBA1A):c.542T>C (p.Val181Ala)

Gene: TUBA1A (tubulin alpha 1a; minus strand). Cytogenetic location: 12q13.12.
Variant type: single nucleotide variant.
Coding change: c.542T>C on transcript NM_006009.4 (MANE Select); coding-DNA position 542, T replaced by C.
Protein change: p.Val181Ala; replaces valine 181 with alanine.
Molecular consequence: missense variant.
Genome position (GRCh38, 1-based): chr12:49,185,824, A>G on the plus strand (T>C on the coding strand, the complement: TUBA1A is on the minus strand). VCF-style: chr12-49185824-A-G. GRCh37 (hg19) VCF-style: chr12-49579607-A-G.
Other names: c.542T>C, p.Val181Ala (NM_001270399.2); c.437T>C, p.Val146Ala (NM_001270400.2); short protein forms V146A, V181A.
Identifiers: ClinVar variation 2025728 (VCV002025728.5), dbSNP rs2498860919, ClinGen allele CA384641852.